The following is an entry in ClinVar:

ClinVar aggregate classification (germline): Pathogenic (1 of 4 stars; one submission).

Conditions:
KBG syndrome (KBGS). Also called: ANKRD11-Related KBG Syndrome. Identifiers: Orphanet 2332, MedGen C0220687, MONDO:0007846, OMIM 148050.

Submission:

Labcorp Genetics (formerly Invitae), Labcorp
Classification: Pathogenic for KBG syndrome. Last evaluated: 2021-10-20. Review status: criteria provided, single submitter. Criteria: Invitae Variant Classification Sherloc (09022015). Collection method: clinical testing. Allele origin: germline.
Comment: This sequence change creates a premature translational stop signal (p.Gly2108Argfs*39) in the ANKRD11 gene. It is expected to result in an absent or disrupted protein product. Loss-of-function variants in ANKRD11 are known to be pathogenic (PMID: 21782149, 25125236, 25413698, 25652421). For these reasons, this variant has been classified as Pathogenic. This variant has not been reported in the literature in individuals affected with ANKRD11-related conditions. This variant is not present in population databases (ExAC no frequency).

Literature cited by the submitters: PubMed 21782149; PubMed 25125236; PubMed 25413698; PubMed 25652421.

NM_013275.6(ANKRD11):c.6320dup (p.Gly2108fs)

Gene: ANKRD11 (ankyrin repeat domain 11; minus strand). Cytogenetic location: 16q24.3.
Variant type: Duplication.
Coding change: c.6320dup on transcript NM_013275.6 (MANE Select); coding-DNA position 6320, one base duplicated (G; older notation c.6320dupG).
Protein change: p.Gly2108fs; shifts the reading frame from glycine 2108.
Molecular consequence: frameshift variant.
Genome position (GRCh38, 1-based): chr16:89,280,222, C duplicated on the plus strand (G on the coding strand, the reverse complement: ANKRD11 is on the minus strand). VCF-style (leftmost placement, unchanged base first): chr16-89280221-G-GC. GRCh37 (hg19) VCF-style: chr16-89346629-G-GC.
Other names: c.6320dup, p.Gly2108fs (NM_001256182.2, NM_001256183.2); short protein forms G2108fs.
Identifiers: ClinVar variation 1445240 (VCV001445240.7), dbSNP rs2151737119, ClinGen allele CA2573152762.